The following is an entry in ClinVar:

NM_001846.4(COL4A2):c.1340-439G>A

Genes: COL4A2 (collagen type IV alpha 2 chain; plus strand), COL4A2-AS2 (COL4A2 antisense RNA 2; minus strand). Cytogenetic location: 13q34.
Variant type: single nucleotide variant.
Coding change: c.1340-439G>A on transcript NM_001846.4 (MANE Select); 439 bases into the intron before coding-DNA position 1340, G replaced by A.
Molecular consequence: intron variant. On other transcripts: non-coding transcript variant (1).
Genome position (GRCh38, 1-based): chr13:110,456,904, G>A. VCF-style: chr13-110456904-G-A. GRCh37 (hg19) VCF-style: chr13-111109251-G-A.
Identifiers: ClinVar variation 2643948 (VCV002643948.24), dbSNP rs370055942, ClinGen allele CA7049428.

ClinVar aggregate classification (germline): Likely benign (1 of 4 stars; one submission).

Allele frequency attached by ClinVar (database versions not stated): ExAC 0.00300; gnomAD 0.00306.

Submission:

CeGaT Center for Human Genetics Tuebingen
Classification: Likely benign. Last evaluated: 2023-04-01. Review status: criteria provided, single submitter. Criteria: CeGaT Center For Human Genetics Tuebingen Variant Classification Criteria Version 2. Collection method: clinical testing. Allele origin: germline. Affected: yes. Observed: 2 variant alleles.
Comment: COL4A2: BS1